The following is an entry in ClinVar:

NM_001122955.4(BSCL2):c.270G>T (p.Arg90Ser)

Genes: BSCL2 (BSCL2 lipid droplet biogenesis associated, seipin; minus strand), HNRNPUL2-BSCL2 (HNRNPUL2-BSCL2 readthrough (NMD candidate); minus strand). Cytogenetic location: 11q12.3.
Variant type: single nucleotide variant.
Coding change: c.270G>T on transcript NM_001122955.4 (MANE Select); coding-DNA position 270, G replaced by T.
Protein change: p.Arg90Ser; replaces arginine 90 with serine.
Molecular consequence: missense variant. On other transcripts: non-coding transcript variant (1).
Genome position (GRCh38, 1-based): chr11:62,705,435, C>A on the plus strand (G>T on the coding strand, the complement: BSCL2 is on the minus strand). VCF-style: chr11-62705435-C-A. GRCh37 (hg19) VCF-style: chr11-62472907-C-A.
Other names: c.78G>T, p.Arg26Ser (NM_001130702.2, NM_032667.6); c.270G>T, p.Arg90Ser (NM_001386027.1, NM_001386028.1); short protein forms R90S, R26S.
Identifiers: ClinVar variation 856175 (VCV000856175.12), dbSNP rs756668260, ClinGen allele CA6053627.

ClinVar aggregate classification (germline): Uncertain significance. Review status: criteria provided, multiple submitters, no conflicts (2 of 4 stars). 3 submissions from 3 submitters: Uncertain significance (3). Last evaluated 2024-02-08.

Conditions:
Inborn genetic diseases. Identifiers: MedGen C0950123, MeSH D030342.
Hereditary spastic paraplegia 17. Also called: Silver spastic paraplegia syndrome; Spastic Paraplegia 17; Autosomal dominant spastic paraplegia type 17; Silver Syndrome; SPASTIC PARAPLEGIA WITH AMYOTROPHY OF HANDS AND FEET. Identifiers: Orphanet 100998, MedGen C2931276, MONDO:0010043, OMIM 270685.
Severe neurodegenerative syndrome with lipodystrophy. Also called: Encephalopathy, progressive, with or without lipodystrophy; ENCEPHALOPATHY, PROGRESSIVE, WITH LIPODYSTROPHY. Identifiers: Orphanet 363400, MedGen C4014700, MONDO:0014402, OMIM 615924.
Congenital generalized lipodystrophy type 2 (CGL2). Also called: SEIP SYNDROME; BERARDINELLI SYNDROME; BRUNZELL SYNDROME, BSCL2-RELATED; Berardinelli-Seip Congenital Lipodystrophy Type 2. Identifiers: Orphanet 528, Orphanet 696289, MedGen C1720863, MONDO:0010020, OMIM 269700.
Neuronopathy, distal hereditary motor, type 5C. Also called: NEURONOPATHY, DISTAL HEREDITARY MOTOR, HARDING TYPE VC; NEUROPATHY, DISTAL HEREDITARY MOTOR, HARDING TYPE VC; SPINAL MUSCULAR ATROPHY, DISTAL, HARDING TYPE VC; DHMN VC; NEURONOPATHY, DISTAL HEREDITARY MOTOR, AUTOSOMAL DOMINANT 13. Identifiers: MedGen C5436838, MONDO:0030860, OMIM 619112.
Charcot-Marie-Tooth disease type 2. Also called: Charcot-Marie-Tooth type 2. Identifiers: Orphanet 64746, MedGen C0270914, MONDO:0018993.

Allele frequency attached by ClinVar (database versions not stated): TOPMed below 0.00001; ExAC 0.00001; gnomAD 0.00001; gnomAD exomes below 0.00001.
gnomAD v4.1: 10 of 1,614,106 alleles (0.00062%); highest among the groups gnomAD compares: African/African-American, 0.0013%; no homozygotes.

Submissions (3):

Fulgent Genetics
Classification: Uncertain significance for Congenital generalized lipodystrophy type 2; Hereditary spastic paraplegia 17; Severe neurodegenerative syndrome with lipodystrophy; Neuronopathy, distal hereditary motor, type 5C. Last evaluated: 2024-02-08. Review status: criteria provided, single submitter. Criteria: ACMG Guidelines, 2015. Collection method: clinical testing. Allele origin: germline.

Labcorp Genetics (formerly Invitae), Labcorp
Classification: Uncertain significance for Charcot-Marie-Tooth disease type 2. Last evaluated: 2022-10-05. Review status: criteria provided, single submitter. Criteria: Invitae Variant Classification Sherloc (09022015). Collection method: clinical testing. Allele origin: germline.
Comment: Advanced modeling of protein sequence and biophysical properties (such as structural, functional, and spatial information, amino acid conservation, physicochemical variation, residue mobility, and thermodynamic stability) performed at Invitae indicates that this missense variant is not expected to disrupt BSCL2 protein function. ClinVar contains an entry for this variant (Variation ID: 856175). This variant has not been reported in the literature in individuals affected with BSCL2-related conditions. This variant is present in population databases (rs756668260, gnomAD 0.006%). This sequence change replaces arginine, which is basic and polar, with serine, which is neutral and polar, at codon 26 of the BSCL2 protein (p.Arg26Ser). In summary, the available evidence is currently insufficient to determine the role of this variant in disease. Therefore, it has been classified as a Variant of Uncertain Significance.

Ambry Genetics
Classification: Uncertain significance for Inborn genetic diseases. Last evaluated: 2020-10-30. Review status: criteria provided, single submitter. Criteria: Ambry Variant Classification Scheme 2023. Collection method: clinical testing. Allele origin: germline.
Comment: The p.R26S variant (also known as c.78G>T), located in coding exon 1 of the BSCL2 gene, results from a G to T substitution at nucleotide position 78. The arginine at codon 26 is replaced by serine, an amino acid with dissimilar properties. This amino acid position is poorly conserved in available vertebrate species. In addition, the in silico prediction for this alteration is inconclusive. Since supporting evidence is limited at this time, the clinical significance of this alteration remains unclear.